The following is an entry in ClinVar:

ClinVar aggregate classification (germline): Uncertain significance. Review status: criteria provided, multiple submitters, no conflicts (2 of 4 stars). 2 submissions from 2 submitters: Uncertain significance (2). Last evaluated 2021-09-10.

Conditions:
Hereditary cancer-predisposing syndrome. Also called: Tumor predisposition; Neoplastic Syndromes, Hereditary; Hereditary Cancer Syndrome; Hereditary neoplastic syndrome. Identifiers: Orphanet 140162, MedGen C0027672, MeSH D009386, MONDO:0015356.

Submissions (2):

Labcorp Genetics (formerly Invitae), Labcorp
Classification: Uncertain significance for Hereditary cancer-predisposing syndrome. Last evaluated: 2021-09-10. Review status: criteria provided, single submitter. Criteria: Invitae Variant Classification Sherloc (09022015). Collection method: clinical testing. Allele origin: germline.
Comment: In summary, the available evidence is currently insufficient to determine the role of this variant in disease. Therefore, it has been classified as a Variant of Uncertain Significance. Algorithms developed to predict the effect of missense changes on protein structure and function are either unavailable or do not agree on the potential impact of this missense change (SIFT: "Tolerated"; PolyPhen-2: "Probably Damaging"; Align-GVGD: "Class C0"). This variant has not been reported in the literature in individuals affected with RAD50-related conditions. This variant is not present in population databases (ExAC no frequency). This sequence change replaces alanine with proline at codon 73 of the RAD50 protein (p.Ala73Pro). The alanine residue is highly conserved and there is a small physicochemical difference between alanine and proline.

Ambry Genetics
Classification: Uncertain significance for Hereditary cancer-predisposing syndrome. Last evaluated: 2015-07-23. Review status: criteria provided, single submitter. Criteria: Ambry Variant Classification Scheme 2023. Collection method: clinical testing. Allele origin: germline.
Comment: The p.A73P variant (also known as c.217G>C), located in coding exon 3 of the RAD50 gene, results from a G to C substitution at nucleotide position 217. The alanine at codon 73 is replaced by proline, an amino acid with highly similar properties. This variant was not reported in population based cohorts in the following databases: Database of Single Nucleotide Polymorphisms (dbSNP), NHLBI Exome Sequencing Project (ESP), and 1000 Genomes Project. In the ESP, this variant was not observed in 6503 samples (13006 alleles) with coverage at this position. To date, this alteration has been detected with an allele frequency of approximately 0.002% (greater than 65000 alleles tested) in our clinical cohort. This amino acid position is highly conserved in available vertebrate species. In addition, the in silico prediction for this alteration is inconclusive. Since supporting evidence is limited at this time, the clinical significance of this variant remains unclear.

NM_005732.4(RAD50):c.217G>C (p.Ala73Pro)

Gene: RAD50 (RAD50 double strand break repair protein; plus strand). Cytogenetic location: 5q31.1.
Variant type: single nucleotide variant.
Coding change: c.217G>C on transcript NM_005732.4 (MANE Select); coding-DNA position 217, G replaced by C.
Protein change: p.Ala73Pro; replaces alanine 73 with proline.
Molecular consequence: missense variant.
Genome position (GRCh38, 1-based): chr5:132,575,780, G>C. VCF-style: chr5-132575780-G-C. GRCh37 (hg19) VCF-style: chr5-131911472-G-C.
Other names: short protein forms A73P.
Identifiers: ClinVar variation 1380477 (VCV001380477.8), dbSNP rs371122101, ClinGen allele CA360930071.
Genomic context (GRCh38, chr5:132,575,780, plus strand): 5'-AACCAACACTGGTGCTTATTAAAGTAACATAAGTTTTTTCTGTGTTTTCCTTCAAAGGTT[G>C]CTCAAGAAACAGATGTGAGAGCCCAGATTCGTCTGCAATTTCGTGATGTCAATGGAGAAC-3'
Protein context (NP_005723.2, residues 63-83): GNTFVHDPKV[Ala73Pro]QETDVRAQIR